The following is an entry in ClinVar:

ClinVar aggregate classification (germline): Uncertain significance (1 of 4 stars; one submission).

gnomAD v4.1: 1 of 1,609,020 alleles (0.000062%); highest among the groups gnomAD compares: Non-Finnish European, 0.000085%; no homozygotes.

Submission:

Labcorp Genetics (formerly Invitae), Labcorp
Classification: Uncertain significance. Last evaluated: 2025-01-15. Review status: criteria provided, single submitter. Criteria: Invitae Variant Classification Sherloc (09022015). Collection method: clinical testing. Allele origin: germline.
Comment: This sequence change replaces proline, which is neutral and non-polar, with arginine, which is basic and polar, at codon 196 of the ABCA4 protein (p.Pro196Arg). This variant is not present in population databases (gnomAD no frequency). This variant has not been reported in the literature in individuals affected with ABCA4-related conditions. ClinVar contains an entry for this variant (Variation ID: 2041933). Invitae Evidence Modeling of protein sequence and biophysical properties (such as structural, functional, and spatial information, amino acid conservation, physicochemical variation, residue mobility, and thermodynamic stability) indicates that this missense variant is expected to disrupt ABCA4 protein function with a positive predictive value of 80%. In summary, the available evidence is currently insufficient to determine the role of this variant in disease. Therefore, it has been classified as a Variant of Uncertain Significance.

NM_000350.3(ABCA4):c.587C>G (p.Pro196Arg)

Gene: ABCA4 (ATP binding cassette subfamily A member 4; minus strand). Cytogenetic location: 1p22.1.
Variant type: single nucleotide variant.
Coding change: c.587C>G on transcript NM_000350.3 (MANE Select); coding-DNA position 587, C replaced by G.
Protein change: p.Pro196Arg; replaces proline 196 with arginine.
Molecular consequence: missense variant.
Genome position (GRCh38, 1-based): chr1:94,098,975, G>C on the plus strand (C>G on the coding strand, the complement: ABCA4 is on the minus strand). VCF-style: chr1-94098975-G-C. GRCh37 (hg19) VCF-style: chr1-94564531-G-C.
Other names: c.587C>G, p.Pro196Arg (NM_001425324.1); short protein forms P196R.
Identifiers: ClinVar variation 2041933 (VCV002041933.3), dbSNP rs769176363, ClinGen allele CA341289764.